The following is an entry in ClinVar:

ClinVar aggregate classification (germline): Likely pathogenic (1 of 4 stars; one submission).

Conditions:
Severe combined immunodeficiency disease. Also called: Severe Combined Immune Deficiency; Severe combined immunodeficiency. Identifiers: Orphanet 183660, MedGen C0085110, MeSH D016511, MONDO:0015974, HP:0004430. Inheritance: X-Linked or Autosomal recessive.

Allele frequency attached by ClinVar (database versions not stated): gnomAD exomes below 0.00001; TOPMed below 0.00001; gnomAD 0.00001.
gnomAD v4.1: 2 of 1,613,954 alleles (0.00012%); highest among the groups gnomAD compares: Non-Finnish European, 0.00017%; no homozygotes.

Submission:

Women's Health and Genetics/Laboratory Corporation of America, LabCorp
Classification: Likely pathogenic for Severe combined immunodeficiency disease. Last evaluated: 2022-05-31. Review status: criteria provided, single submitter. Criteria: LabCorp Variant Classification Summary - May 2015. Collection method: clinical testing. Allele origin: germline.
Comment: Variant summary: CD3G c.271C>T (p.Gln91X) results in a premature termination codon, predicted to cause a truncation of the encoded protein or absence of the protein due to nonsense mediated decay, which are commonly known mechanisms for disease. The variant was absent in 251404 control chromosomes. To our knowledge, no occurrence of c.271C>T in individuals affected with Severe Combined Immunodeficiency and no experimental evidence demonstrating its impact on protein function have been reported. No clinical diagnostic laboratories have submitted clinical-significance assessments for this variant to ClinVar after 2014. Based on the evidence outlined above, the variant was classified as likely pathogenic.

NM_000073.3(CD3G):c.271C>T (p.Gln91Ter)

Genes: CD3G (CD3 gamma subunit of T-cell receptor complex; plus strand), LOC126861358 (BRD4-independent group 4 enhancer GRCh37_chr11:118220212-118221411; plus strand). Cytogenetic location: 11q23.3.
Variant type: single nucleotide variant.
Coding change: c.271C>T on transcript NM_000073.3 (MANE Select); coding-DNA position 271, C replaced by T.
Protein change: p.Gln91Ter; replaces glutamine 91 with a stop codon.
Molecular consequence: nonsense.
Genome position (GRCh38, 1-based): chr11:118,349,934, C>T. VCF-style: chr11-118349934-C-T. GRCh37 (hg19) VCF-style: chr11-118220649-C-T.
Other names: short protein forms Q91*.
Identifiers: ClinVar variation 1696074 (VCV001696074.1), dbSNP rs1948391148, ClinGen allele CA382792837.
Genomic context (GRCh38, chr11:118,349,934, plus strand): 5'-AAATGGAATCTGGGAAGTAATGCCAAGGACCCTCGAGGGATGTATCAGTGTAAAGGATCA[C>T]AGAACAAGTCAAAACCACTCCAAGTGTATTACAGAAGTATGTAATCCCCTTTGGTCTGTT-3'